The following is an entry in ClinVar:

ClinVar aggregate classification (germline): Uncertain significance (1 of 4 stars; one submission).

Conditions:
Neuropathy, hereditary sensory, type 2C. Also called: KIF1A-Related HSAN2 (HSAN2C); Hereditary sensory and autonomic neuropathy type IIC. Identifiers: Orphanet 970, MedGen C3280168, MONDO:0013634, OMIM 614213.
Intellectual disability, autosomal dominant 9 (NESCAVS). Also called: NESCAV SYNDROME; KIF1A-Related Neurodevelopmental Disorder. Identifiers: Orphanet 662367, MedGen C5393830, MONDO:0013656, OMIM 614255.
Hereditary spastic paraplegia 30. Identifiers: Orphanet 101010, MedGen C5235139, MONDO:0012476.

Allele frequency attached by ClinVar (database versions not stated): gnomAD exomes below 0.00001; TOPMed below 0.00001.
gnomAD v4.1: 1 of 1,613,560 alleles (0.000062%); highest among the groups gnomAD compares: Non-Finnish European, 0.000085%; no homozygotes.

Submission:

Labcorp Genetics (formerly Invitae), Labcorp
Classification: Uncertain significance for Hereditary spastic paraplegia 30; Neuropathy, hereditary sensory, type 2C; Intellectual disability, autosomal dominant 9. Last evaluated: 2025-09-28. Review status: criteria provided, single submitter. Criteria: Invitae Variant Classification Sherloc (09022015). Collection method: clinical testing. Allele origin: germline.
Comment: This sequence change replaces methionine, which is neutral and non-polar, with isoleucine, which is neutral and non-polar, at codon 401 of the KIF1A protein (p.Met401Ile). This variant is not present in population databases (gnomAD no frequency). This variant has not been reported in the literature in individuals affected with KIF1A-related conditions. ClinVar contains an entry for this variant (Variation ID: 582711). Invitae Evidence Modeling of protein sequence and biophysical properties (such as structural, functional, and spatial information, amino acid conservation, physicochemical variation, residue mobility, and thermodynamic stability) indicates that this missense variant is expected to disrupt KIF1A protein function with a positive predictive value of 95%. In summary, the available evidence is currently insufficient to determine the role of this variant in disease. Therefore, it has been classified as a Variant of Uncertain Significance.

NM_001244008.2(KIF1A):c.1230G>A (p.Met410Ile)

Gene: KIF1A (kinesin family member 1A; minus strand). Cytogenetic location: 2q37.3.
Variant type: single nucleotide variant.
Coding change: c.1230G>A on transcript NM_001244008.2 (MANE Select); coding-DNA position 1230, G replaced by A.
Protein change: p.Met410Ile; replaces methionine 410 with isoleucine.
Molecular consequence: missense variant.
Genome position (GRCh38, 1-based): chr2:240,771,082, C>T on the plus strand (G>A on the coding strand, the complement: KIF1A is on the minus strand). VCF-style: chr2-240771082-C-T. GRCh37 (hg19) VCF-style: chr2-241710499-C-T.
Other names: c.1203G>A, p.Met401Ile (NM_001379642.1, NM_001379645.1, NM_001379649.1 and 10 more transcripts); c.1305G>A, p.Met435Ile (NM_001379646.1, NM_001330290.2, NM_001379631.1 and 2 more transcripts); c.1278G>A, p.Met426Ile (NM_001379648.1, NM_001379637.1); c.1230G>A, p.Met410Ile (NM_001320705.2, NM_001330289.2, NM_001379638.1); short protein forms M401I, M410I, M435I, M426I.
Identifiers: ClinVar variation 582711 (VCV000582711.9), dbSNP rs1413146684, ClinGen allele CA351330627.